The following is an entry in ClinVar:

ClinVar aggregate classification (germline): Uncertain significance (1 of 4 stars; one submission).

Submission:

Labcorp Genetics (formerly Invitae), Labcorp
Classification: Uncertain significance. Last evaluated: 2023-03-16. Review status: criteria provided, single submitter. Criteria: Invitae Variant Classification Sherloc (09022015). Collection method: clinical testing. Allele origin: unknown.
Comment: This variant has not been reported in the literature in individuals affected with ITPR1-related conditions. In summary, the available evidence is currently insufficient to determine the role of this variant in disease. Therefore, it has been classified as a Variant of Uncertain Significance. This variant results in a copy number gain of the genomic region encompassing exon(s) 1-4 of the ITPR1 gene. This region includes the initiator codon of the gene. This copy number gain extends beyond the assayed region for this gene and therefore may encompass additional genes. As the precise location of this event is unknown, it may be in tandem or it may be located elsewhere in the genome.

NC_000003.11:g.(?_4452529)_(4562798_?)dup

Genes: ITPR1 (inositol 1,4,5-trisphosphate receptor type 1; plus strand), SUMF1 (sulfatase modifying factor 1; minus strand). Cytogenetic location: 3p26.1.
Variant type: Duplication.
Identifiers: ClinVar variation 3246984 (VCV003246984.1).